The following is an entry in ClinVar:

NM_207361.6(FREM2):c.6614A>G (p.Asp2205Gly)

Gene: FREM2 (FRAS1 related extracellular matrix 2; plus strand). Cytogenetic location: 13q13.3.
Variant type: single nucleotide variant.
Coding change: c.6614A>G on transcript NM_207361.6 (MANE Select); coding-DNA position 6614, A replaced by G.
Protein change: p.Asp2205Gly; replaces aspartic acid 2205 with glycine.
Molecular consequence: missense variant.
Genome position (GRCh38, 1-based): chr13:38,850,980, A>G. VCF-style: chr13-38850980-A-G. GRCh37 (hg19) VCF-style: chr13-39425117-A-G.
Other names: c.6614A>G (NM_207361.4); short protein forms D2205G.
Identifiers: ClinVar variation 2081662 (VCV002081662.6), dbSNP rs771744013, ClinGen allele CA6955630.

ClinVar aggregate classification (germline): Conflicting classifications of pathogenicity. Review status: criteria provided, conflicting classifications (1 of 4 stars). 4 submissions from 4 submitters: Uncertain significance (3); Likely benign (1). Last evaluated 2025-11-08.

Conditions:
Fraser syndrome 2 (FRASRS2). Identifiers: MedGen C4540036, MONDO:0054738, OMIM 617666.
Isolated cryptophthalmia. Also called: Cryptophthalmos, unilateral or bilateral, isolated; ANKYLOBLEPHARON, SIMPLE. Identifiers: Orphanet 91396, MedGen C1852453, MONDO:0007410, OMIM 123570.
Inborn genetic diseases. Identifiers: MedGen C0950123, MeSH D030342.

Allele frequency attached by ClinVar (database versions not stated): ExAC 0.00002; gnomAD 0.00003; TOPMed 0.00004.
gnomAD v4.1: 18 of 1,613,262 alleles (0.0011%); highest among the groups gnomAD compares: Middle Eastern, 0.018%; no homozygotes.

Submissions (4):

Ambry Genetics
Classification: Uncertain significance for Inborn genetic diseases. Last evaluated: 2025-11-08. Review status: criteria provided, single submitter. Criteria: Ambry Variant Classification Scheme 2023. Collection method: clinical testing. Allele origin: germline.

Labcorp Genetics (formerly Invitae), Labcorp
Classification: Uncertain significance. Last evaluated: 2024-10-08. Review status: criteria provided, single submitter. Criteria: Invitae Variant Classification Sherloc (09022015). Collection method: clinical testing. Allele origin: germline.
Comment: This sequence change replaces aspartic acid, which is acidic and polar, with glycine, which is neutral and non-polar, at codon 2205 of the FREM2 protein (p.Asp2205Gly). This variant is present in population databases (rs771744013, gnomAD 0.004%). This variant has not been reported in the literature in individuals affected with FREM2-related conditions. ClinVar contains an entry for this variant (Variation ID: 2081662). Invitae Evidence Modeling of protein sequence and biophysical properties (such as structural, functional, and spatial information, amino acid conservation, physicochemical variation, residue mobility, and thermodynamic stability) indicates that this missense variant is not expected to disrupt FREM2 protein function with a negative predictive value of 80%. In summary, the available evidence is currently insufficient to determine the role of this variant in disease. Therefore, it has been classified as a Variant of Uncertain Significance.

3billion
Classification: Likely benign for Isolated cryptophthalmia; Fraser syndrome 2. Last evaluated: 2024-09-20. Review status: criteria provided, single submitter. Criteria: ACMG Guidelines, 2015. Collection method: clinical testing. Allele origin: germline. Affected: no.
Comment: The homozygous variant was found in patients diagnosed with another variant in a different gene, with no symptoms related to the gene containing the homozygous variant.

Department of Pathology and Laboratory Medicine, Sinai Health System
Classification: Uncertain significance for Isolated cryptophthalmia; Fraser syndrome 2. Last evaluated: 2020-06-10. Review status: criteria provided, single submitter. Criteria: ACMG Guidelines, 2015. Collection method: research. Allele origin: germline.